The following is an entry in ClinVar:

NM_006329.4(FBLN5):c.739+5T>C

Gene: FBLN5 (fibulin 5; minus strand). Cytogenetic location: 14q32.12.
Variant type: single nucleotide variant.
Coding change: c.739+5T>C on transcript NM_006329.4 (MANE Select); 5 bases into the intron after coding-DNA position 739, T replaced by C.
Molecular consequence: intron variant.
Genome position (GRCh38, 1-based): chr14:91,887,188, A>G on the plus strand (T>C on the coding strand, the complement: FBLN5 is on the minus strand). VCF-style: chr14-91887188-A-G. GRCh37 (hg19) VCF-style: chr14-92353532-A-G.
Other names: c.739+5T>C (NM_001384160.1); c.862+5T>C (NM_001384158.1); c.571+5T>C (NM_001384162.1, NM_001384161.1); c.790+5T>C (NM_001384159.1).
Identifiers: ClinVar variation 3000200 (VCV003000200.3), dbSNP rs1167735035, ClinGen allele CA709922619.

ClinVar aggregate classification (germline): Uncertain significance (1 of 4 stars; one submission).

Allele frequency attached by ClinVar (database versions not stated): gnomAD 0.00001; TOPMed 0.00001.
gnomAD v4.1: 2 of 1,613,750 alleles (0.00012%); highest among the groups gnomAD compares: African/African-American, 0.0013%; no homozygotes.

Submission:

Labcorp Genetics (formerly Invitae), Labcorp
Classification: Uncertain significance. Last evaluated: 2023-08-27. Review status: criteria provided, single submitter. Criteria: Invitae Variant Classification Sherloc (09022015). Collection method: clinical testing. Allele origin: germline.
Comment: In summary, the available evidence is currently insufficient to determine the role of this variant in disease. Therefore, it has been classified as a Variant of Uncertain Significance. Variants that disrupt the consensus splice site are a relatively common cause of aberrant splicing (PMID: 17576681, 9536098). Algorithms developed to predict the effect of sequence changes on RNA splicing suggest that this variant is not likely to affect RNA splicing. This variant has not been reported in the literature in individuals affected with FBLN5-related conditions. This variant is not present in population databases (gnomAD no frequency). This sequence change falls in intron 7 of the FBLN5 gene. It does not directly change the encoded amino acid sequence of the FBLN5 protein. It affects a nucleotide within the consensus splice site.

Literature cited by the submitters: PubMed 17576681; PubMed 9536098.